The following is an entry in ClinVar:

ClinVar aggregate classification (germline): Uncertain significance. Review status: criteria provided, multiple submitters, no conflicts (2 of 4 stars). 3 submissions from 3 submitters: Uncertain significance (3). Last evaluated 2024-08-28.

Conditions:
Frontotemporal dementia and/or amyotrophic lateral sclerosis 1 (FTDALS1). Also called: C9orf72 Frontotemporal Dementia and/or Amyotrophic Lateral Sclerosis; Frontotemporal dementia with motor neuron disease 1. Identifiers: Orphanet 275872, MedGen C5779877, MONDO:0007105, OMIM 105550.
Paget disease of bone 2, early-onset (PDB2). Also called: Paget disease of bone 2. Identifiers: MedGen C4085251, MONDO:0011183, OMIM 602080.

Allele frequency attached by ClinVar (database versions not stated): TOPMed below 0.00001; ExAC 0.00001; gnomAD exomes 0.00001.
gnomAD v4.1: 22 of 1,613,872 alleles (0.0014%); highest among the groups gnomAD compares: Admixed American, 0.0033%; no homozygotes.

Submissions (3):

Labcorp Genetics (formerly Invitae), Labcorp
Classification: Uncertain significance for Paget disease of bone 2, early-onset; Frontotemporal dementia and/or amyotrophic lateral sclerosis 1. Last evaluated: 2024-08-28. Review status: criteria provided, single submitter. Criteria: Invitae Variant Classification Sherloc (09022015). Collection method: clinical testing. Allele origin: germline.
Comment: This sequence change replaces arginine, which is basic and polar, with glutamine, which is neutral and polar, at codon 186 of the SQSTM1 protein (p.Arg186Gln). This variant is present in population databases (rs778537429, gnomAD 0.006%). This variant has not been reported in the literature in individuals affected with SQSTM1-related conditions. ClinVar contains an entry for this variant (Variation ID: 1448375). Invitae Evidence Modeling of protein sequence and biophysical properties (such as structural, functional, and spatial information, amino acid conservation, physicochemical variation, residue mobility, and thermodynamic stability) indicates that this missense variant is not expected to disrupt SQSTM1 protein function with a negative predictive value of 80%. In summary, the available evidence is currently insufficient to determine the role of this variant in disease. Therefore, it has been classified as a Variant of Uncertain Significance.

CeGaT Center for Human Genetics Tuebingen
Classification: Uncertain significance. Last evaluated: 2024-04-01. Review status: criteria provided, single submitter. Criteria: CeGaT Center For Human Genetics Tuebingen Variant Classification Criteria Version 2. Collection method: clinical testing. Allele origin: germline. Affected: yes. Observed: 1 variant allele.
Comment: SQSTM1: PM2, BP4

Blueprint Genetics
Classification: Uncertain significance. Last evaluated: 2020-09-23. Review status: criteria provided, single submitter. Criteria: ACMG Guidelines, 2015. Collection method: clinical testing. Allele origin: germline.

NM_003900.5(SQSTM1):c.557G>A (p.Arg186Gln)

Gene: SQSTM1 (sequestosome 1; plus strand). Cytogenetic location: 5q35.3.
Variant type: single nucleotide variant.
Coding change: c.557G>A on transcript NM_003900.5 (MANE Select); coding-DNA position 557, G replaced by A.
Protein change: p.Arg186Gln; replaces arginine 186 with glutamine.
Molecular consequence: missense variant.
Genome position (GRCh38, 1-based): chr5:179,824,207, G>A. VCF-style: chr5-179824207-G-A. GRCh37 (hg19) VCF-style: chr5-179251207-G-A.
Other names: c.305G>A, p.Arg102Gln (NM_001142298.2, NM_001142299.2); short protein forms R102Q, R186Q.
Identifiers: ClinVar variation 1448375 (VCV001448375.29), dbSNP rs778537429, ClinGen allele CA3600568.